The following is an entry in ClinVar:

NM_032119.4(ADGRV1):c.4167_4170del (p.Glu1391fs)

Gene: ADGRV1 (adhesion G protein-coupled receptor V1; plus strand). Cytogenetic location: 5q14.3.
Variant type: Microsatellite.
Coding change: c.4167_4170del on transcript NM_032119.4 (MANE Select); coding-DNA positions 4167 to 4170, 4 bases deleted (AAAC; older notation c.4167_4170delAAAC).
Protein change: p.Glu1391fs; shifts the reading frame from glutamic acid 1391.
Molecular consequence: frameshift variant. On other transcripts: non-coding transcript variant (1).
Genome position (GRCh38, 1-based): chr5:90,653,741-90,653,744, AAAC deleted; deleting any 4 consecutive bases within chr5:90,653,735-90,653,744 gives the same sequence; the c. name uses the placement nearest the transcript's 3' end. VCF-style (leftmost placement, unchanged base first): chr5-90653734-TACAA-T. GRCh37 (hg19) VCF-style: chr5-89949551-TACAA-T.
Other names: short protein forms E1391fs.
Identifiers: ClinVar variation 3685486 (VCV003685486.2).

ClinVar aggregate classification (germline): Pathogenic (1 of 4 stars; one submission).

Submission:

Labcorp Genetics (formerly Invitae), Labcorp
Classification: Pathogenic. Last evaluated: 2024-02-04. Review status: criteria provided, single submitter. Criteria: Invitae Variant Classification Sherloc (09022015). Collection method: clinical testing. Allele origin: germline.
Comment: This sequence change creates a premature translational stop signal (p.Glu1391Profs*3) in the ADGRV1 gene. It is expected to result in an absent or disrupted protein product. Loss-of-function variants in ADGRV1 are known to be pathogenic (PMID: 19357117, 22135276, 22147658, 26226137, 30718709, 31047384, 32467589). This variant is not present in population databases (gnomAD no frequency). This variant has not been reported in the literature in individuals affected with ADGRV1-related conditions. For these reasons, this variant has been classified as Pathogenic.

Literature cited by the submitters: PubMed 19357117; PubMed 22135276; PubMed 22147658; PubMed 26226137; PubMed 30718709; PubMed 31047384; PubMed 32467589.